The following is an entry in ClinVar:

NM_001267550.2(TTN):c.17818T>C (p.Cys5940Arg)

Gene: TTN (titin; minus strand). Cytogenetic location: 2q31.2.
Variant type: single nucleotide variant.
Coding change: c.17818T>C on transcript NM_001267550.2 (MANE Select); coding-DNA position 17818, T replaced by C.
Protein change: p.Cys5940Arg; replaces cysteine 5940 with arginine.
Molecular consequence: missense variant. On other transcripts: intron variant (3).
Genome position (GRCh38, 1-based): chr2:178,730,715, A>G on the plus strand (T>C on the coding strand, the complement: TTN is on the minus strand). VCF-style: chr2-178730715-A-G. GRCh37 (hg19) VCF-style: chr2-179595442-A-G.
Other names: c.14086T>C, p.Cys4696Arg (NM_133378.4); c.16867T>C, p.Cys5623Arg (NM_001256850.1); c.13282+7367T>C (NM_003319.4); c.13858+7367T>C (NM_133437.4); c.13657+7367T>C (NM_133432.3); short protein forms C4696R, C5940R, C5623R.
Identifiers: ClinVar variation 178252 (VCV000178252.31), dbSNP rs374882815, ClinGen allele CA181920.

ClinVar aggregate classification (germline): Conflicting classifications of pathogenicity. Review status: criteria provided, conflicting classifications (1 of 4 stars). 13 submissions from 13 submitters: Uncertain significance (9); Likely benign (2). 2 of the submissions do not count toward it. Last evaluated 2026-06-29.

Conditions:
TTN-related disorder. Also called: TTN-related disorders; TTN-related condition; TTN-related disease.
Cardiovascular phenotype. Identifiers: MedGen CN230736.
Dilated cardiomyopathy 1G (CMD1G). Identifiers: Orphanet 154, MedGen C1858763, MONDO:0011400, OMIM 604145.
Autosomal recessive limb-girdle muscular dystrophy type 2J (LGMDR10). Also called: Limb-girdle muscular dystrophy, type 2J; MUSCULAR DYSTROPHY, LIMB-GIRDLE, AUTOSOMAL RECESSIVE 10. Identifiers: Orphanet 140922, MedGen C1837342, MONDO:0012127, OMIM 608807.
Tip-toe gait. Also called: Toe walking. Identifiers: MedGen C0427144, HP:0030051.

Allele frequency attached by ClinVar (database versions not stated): ESP Exome Variant Server 0.00008; TOPMed 0.00008; gnomAD exomes 0.00011 and 0.00014; gnomAD 0.00012 and 0.00013; ExAC 0.00018.
gnomAD v4.1: 180 of 1,613,424 alleles (0.011%); highest among the groups gnomAD compares: Middle Eastern, 0.016%; no homozygotes.

Submissions (13):

PreventionGenetics, part of Exact Sciences
Classification: Uncertain significance for TTN-related condition. Last evaluated: 2026-06-29. Review status: criteria provided, single submitter. Criteria: ACMG Guidelines, 2015. Collection method: clinical testing. Allele origin: germline.
Comment: The TTN c.17818T>C variant is predicted to result in the amino acid substitution p.Cys5940Arg. This variant, also known as c.14086T>C, p.Cys4696Arg in transcript NM_133378, has been reported in an individual with dilated cardiomyopathy (Supplemental Table 6, Haas et al. 2014. PubMed ID: 25163546) and in an individual with hypertrophic cardiomyopathy (Online Supplementary File 2, van Lint et al. 2019. PubMed ID: 30847666). This variant is reported in 0.028% of alleles in individuals of European (Non-Finnish) descent in gnomAD. Although we suspect that this variant may be benign, at this time, the clinical significance of this variant is uncertain due to the absence of conclusive functional and genetic evidence.

CeGaT Center for Human Genetics Tuebingen
Classification: Uncertain significance. Last evaluated: 2025-10-01. Review status: criteria provided, single submitter. Criteria: CeGaT Center For Human Genetics Tuebingen Variant Classification Criteria Version 2. Collection method: clinical testing. Allele origin: germline. Affected: yes. Observed: 1 variant allele.
Comment: TTN: PP3

Blueprint Genetics
Classification: Likely benign. Last evaluated: 2024-10-18. Review status: criteria provided, single submitter. Criteria: ACMG Guidelines, 2015. Collection method: clinical testing. Allele origin: germline.

Practice for Gait Abnormalities, David Pomarino, Competency Network Toe Walking C/o Practice Pomarino
Classification: Uncertain significance for Tip-toe gait. Last evaluated: 2021-01-29. Review status: criteria provided, single submitter. Criteria: ACMG Guidelines, 2015. Collection method: clinical testing. Allele origin: unknown. Affected: yes.
Comment: Myopathy refers to diseases that affect skeletal Muscles. These diseases attack muscle fibers, making muscles weak. Inherited myopathies are often caused by inheriting an abnormal gene mutation from a parent that causes the disease. Symptoms of congenital myopathies usually start at birth or in early childhood, but may not appear until the teen years or even later in adulthood. Congenital myopathies are somewhat unique compared with other inherited myopathies, as weakness typically affects all muscles and is often not progressive. Symptoms are: Muscle weakness, most commonly of upper arms and shoulders and thighs, muscle cramps, stiffness and spasms, fatigue with exertion and lack of energy. Our patients all walk on tiptoe, so they show similar symptoms. When we genetically test them with our toe walking panel, we find that around 90 per cent of them have a genetic variant that explains their toe walking. These can be assigned, for example, to the area of myopathies (such as variants of the COL6A3 gene), the area of hereditary neuropathies (such as variants of the KMT2C gene) or the area of metabolic diseases (such as variants of the PYGM gene). In a smaller group of patients with almost identical symptoms, no abnormality is found in the genes of our panel, but spastic paraplegia can be detected. In another small group of our toe walkers, no abnormalities can be detected in the genes analysed in our toe walking panel, nor do they suffer from spastic paraplegia, as is also the case with healthy children. In contrast to these, however, they show a tiptoe gait. These patients suffer from infantile cerebral palsy, in which toe walking can also be observed.

Revvity Omics, Revvity
Classification: Uncertain significance. Last evaluated: 2020-03-15. Review status: criteria provided, single submitter. Criteria: ACMG Guidelines, 2015. Collection method: clinical testing. Allele origin: germline.

GeneDx
Classification: Likely benign. Last evaluated: 2020-01-22. Review status: criteria provided, single submitter. Criteria: GeneDx Variant Classification Process June 2021. Collection method: clinical testing. Allele origin: germline. Affected: yes.
Comment: See Variant Classification Assertion Criteria.

Athena Diagnostics
Classification: Uncertain significance. Last evaluated: 2017-12-01. Review status: criteria provided, single submitter. Criteria: Athena Diagnostics Criteria. Collection method: clinical testing. Allele origin: germline.

Labcorp Genetics (formerly Invitae), Labcorp
Classification: Uncertain significance for Dilated cardiomyopathy 1G; Autosomal recessive limb-girdle muscular dystrophy type 2J. Last evaluated: 2017-11-29. Review status: criteria provided, single submitter. Criteria: Invitae Variant Classification Sherloc (09022015). Collection method: clinical testing. Allele origin: germline.

Eurofins Ntd Llc (ga)
Classification: Uncertain significance. Last evaluated: 2016-12-20. Review status: criteria provided, single submitter. Criteria: EGL Classification Definitions 2015. Collection method: clinical testing. Allele origin: germline. Observed: 1 variant allele, 1 heterozygote.

Laboratory for Molecular Medicine, Mass General Brigham Personalized Medicine
Classification: Uncertain significance. Last evaluated: 2013-08-30. Review status: criteria provided, single submitter. Criteria: LMM Criteria. Collection method: clinical testing. Allele origin: germline. Observed: 1 variant allele.
Comment: The Cys4696Arg variant in TTN has not been previously reported in individuals wi th cardiomyopathy, but has been identified in 1/8200 European American chromosom es by the NHLBI Exome Sequencing Project. Co mputational analyses (biochemical amino acid properties, conservation, AlignGVGD , PolyPhen2, and SIFT) do not provide strong support for or against an impact to the protein. Additional information is needed to fully assess the clinical sign ificance of this variant.

Ambry Genetics
Classification: Uncertain significance for Cardiovascular phenotype. Last evaluated: 2013-03-06. Review status: criteria provided, single submitter. Criteria: Ambry Autosomal Dominant and X-Linked criteria (10/2015). Collection method: clinical testing. Allele origin: germline. Observed: 1 variant allele.
Comment: There is insufficient or conflicting evidence for classification of this alteration.

Clinical Genetics, Academic Medical Center
Classification: Uncertain significance. Review status: no assertion criteria provided. Collection method: clinical testing. Allele origin: germline. Affected: yes. Study: VKGL Data-share Consensus. Not counted in ClinVar's aggregate classification.

Diagnostic Laboratory, Department of Genetics, University Medical Center Groningen
Classification: Uncertain significance. Review status: no assertion criteria provided. Collection method: clinical testing. Allele origin: germline. Affected: yes. Study: VKGL Data-share Consensus. Not counted in ClinVar's aggregate classification.

Literature cited by the submitters: PubMed 37091313 (cited by Practice for Gait Abnormalities, David Pomarino, Competency Network Toe Walking C/o Practice Pomarino); PubMed 25163546 (cited by Athena Diagnostics).